The following is an entry in ClinVar:

ClinVar aggregate classification (germline): Uncertain significance. Review status: criteria provided, multiple submitters, no conflicts (2 of 4 stars). 3 submissions from 3 submitters: Uncertain significance (3). Last evaluated 2026-07-01.

Conditions:
Hereditary cancer-predisposing syndrome. Also called: Tumor predisposition; Hereditary Cancer Syndrome; Hereditary neoplastic syndrome; Neoplastic Syndromes, Hereditary. Identifiers: Orphanet 140162, MedGen C0027672, MeSH D009386, MONDO:0015356.
Familial cancer of breast. Also called: Hereditary breast cancer; hereditary breast carcinoma; BREAST CANCER, FAMILIAL. Identifiers: Orphanet 227535, MedGen C0346153, MONDO:0016419, OMIM 114480. Disease mechanism: loss of function.

Submissions (3):

Ambry Genetics
Classification: Uncertain significance for Hereditary cancer-predisposing syndrome. Last evaluated: 2026-07-01. Review status: criteria provided, single submitter. Criteria: Ambry Variant Classification Scheme 2023. Collection method: clinical testing. Allele origin: germline.
Comment: The p.L32P variant (also known as c.95T>C), located in coding exon 2 of the PALB2 gene, results from a T to C substitution at nucleotide position 95. The leucine at codon 32 is replaced by proline, an amino acid with similar properties. This amino acid position is conserved. In addition, this alteration is predicted to be deleterious by in silico analysis. Based on the available evidence, the clinical significance of this variant remains unclear.

Center for Genomic Medicine, Rigshospitalet, Copenhagen University Hospital
Classification: Uncertain significance. Last evaluated: 2025-03-04. Review status: criteria provided, single submitter. Criteria: ACMG Guidelines, 2015. Collection method: clinical testing. Allele origin: germline.

Labcorp Genetics (formerly Invitae), Labcorp
Classification: Uncertain significance for Familial cancer of breast. Last evaluated: 2020-02-27. Review status: criteria provided, single submitter. Criteria: Invitae Variant Classification Sherloc (09022015). Collection method: clinical testing. Allele origin: germline.
Comment: In summary, the available evidence is currently insufficient to determine the role of this variant in disease. Therefore, it has been classified as a Variant of Uncertain Significance. Algorithms developed to predict the effect of missense changes on protein structure and function are either unavailable or do not agree on the potential impact of this missense change (SIFT: "Tolerated"; PolyPhen-2: "Probably Damaging"; Align-GVGD: "Class C0"). This variant has not been reported in the literature in individuals with PALB2-related conditions. This variant is not present in population databases (ExAC no frequency). This sequence change replaces leucine with proline at codon 32 of the PALB2 protein (p.Leu32Pro). The leucine residue is moderately conserved and there is a moderate physicochemical difference between leucine and proline.

NM_024675.4(PALB2):c.95T>C (p.Leu32Pro)

Gene: PALB2 (partner and localizer of BRCA2; minus strand). Cytogenetic location: 16p12.2.
Variant type: single nucleotide variant.
Coding change: c.95T>C on transcript NM_024675.4 (MANE Select); coding-DNA position 95, T replaced by C.
Protein change: p.Leu32Pro; replaces leucine 32 with proline.
Molecular consequence: missense variant.
Genome position (GRCh38, 1-based): chr16:23,638,083, A>G on the plus strand (T>C on the coding strand, the complement: PALB2 is on the minus strand). VCF-style: chr16-23638083-A-G. GRCh37 (hg19) VCF-style: chr16-23649404-A-G.
Other names: c.95T>C (NM_024675.3); short protein forms L32P.
Identifiers: ClinVar variation 1000626 (VCV001000626.11), dbSNP rs1967110180, ClinGen allele CA395139658.
Genomic context (GRCh38, chr16:23,638,083, plus strand): 5'-AATTGTTTGTACTATAACACCTTAATTTGAGAATACGATTCACTTACCTGAAGGCGGGCT[A>G]GTGTCTTGCTGTATTCCCTTTTCAAGAATGCTAATTTCTCCTTTAACTGGAAGAAGAAAA-3'
Protein context (NP_078951.2, residues 22-42): AFLKREYSKT[Leu32Pro]ARLQRAQRAE